The following is an entry in ClinVar:

ClinVar aggregate classification (germline): Uncertain significance (1 of 4 stars; one submission).

Conditions:
Inborn genetic diseases. Identifiers: MedGen C0950123, MeSH D030342.

Submission:

Ambry Genetics
Classification: Uncertain significance for Inborn genetic diseases. Last evaluated: 2022-08-03. Review status: criteria provided, single submitter. Criteria: Ambry Variant Classification Scheme 2023. Collection method: clinical testing. Allele origin: germline.
Comment: The p.V161A variant (also known as c.482T>C), located in coding exon 3 of the MIB1 gene, results from a T to C substitution at nucleotide position 482. The valine at codon 161 is replaced by alanine, an amino acid with similar properties. This amino acid position is conserved. In addition, the in silico prediction for this alteration is inconclusive. Since supporting evidence is limited at this time, the clinical significance of this alteration remains unclear.

NM_020774.4(MIB1):c.482T>C (p.Val161Ala)

Gene: MIB1 (MIB E3 ubiquitin protein ligase 1; plus strand). Cytogenetic location: 18q11.2.
Variant type: single nucleotide variant.
Coding change: c.482T>C on transcript NM_020774.4 (MANE Select); coding-DNA position 482, T replaced by C.
Protein change: p.Val161Ala; replaces valine 161 with alanine.
Molecular consequence: missense variant.
Genome position (GRCh38, 1-based): chr18:21,768,703, T>C. VCF-style: chr18-21768703-T-C. GRCh37 (hg19) VCF-style: chr18-19348664-T-C.
Other names: short protein forms V161A.
Identifiers: ClinVar variation 1743422 (VCV001743422.2), dbSNP rs2510710951, ClinGen allele CA401761720.